The following is an entry in ClinVar:

NM_000038.6(APC):c.7442C>A (p.Thr2481Asn)

Gene: APC (APC regulator of Wnt signaling pathway; plus strand). Cytogenetic location: 5q22.2.
Variant type: single nucleotide variant.
Coding change: c.7442C>A on transcript NM_000038.6 (MANE Select); coding-DNA position 7442, C replaced by A.
Protein change: p.Thr2481Asn; replaces threonine 2481 with asparagine.
Molecular consequence: missense variant.
Genome position (GRCh38, 1-based): chr5:112,843,036, C>A. VCF-style: chr5-112843036-C-A. GRCh37 (hg19) VCF-style: chr5-112178733-C-A.
Other names: c.7442C>A, p.Thr2481Asn (NM_001127510.3, NM_001354895.2); c.7388C>A, p.Thr2463Asn (NM_001127511.3); c.7496C>A, p.Thr2499Asn (NM_001354896.2); c.7472C>A, p.Thr2491Asn (NM_001354897.2); c.7367C>A, p.Thr2456Asn (NM_001354898.2); c.7358C>A, p.Thr2453Asn (NM_001354899.2); c.7319C>A, p.Thr2440Asn (NM_001354900.2); c.7265C>A, p.Thr2422Asn (NM_001354901.2); and 5 more; short protein forms T2463N, T2481N, T2390N, T2422N, T2491N, T2355N, T2440N, T2453N.
Identifiers: ClinVar variation 582870 (VCV000582870.12), dbSNP rs1561615537, ClinGen allele CA16037527.

ClinVar aggregate classification (germline): Uncertain significance. Review status: criteria provided, multiple submitters, no conflicts (2 of 4 stars). 3 submissions from 3 submitters: Uncertain significance (3). Last evaluated 2025-02-09.

Conditions:
Familial adenomatous polyposis 1 (FAP1). Also called: FAMILIAL ADENOMATOUS POLYPOSIS 1, ATTENUATED; POLYPOSIS, ADENOMATOUS INTESTINAL. Identifiers: MedGen C2713442, MONDO:0021056, OMIM 175100. Disease mechanism: loss of function.
Classic or attenuated familial adenomatous polyposis. Identifiers: MedGen CN372698, MONDO:0021057.
Hereditary cancer-predisposing syndrome. Also called: Neoplastic Syndromes, Hereditary; Hereditary Cancer Syndrome; Tumor predisposition; Hereditary neoplastic syndrome. Identifiers: Orphanet 140162, MedGen C0027672, MeSH D009386, MONDO:0015356.

Submissions (3):

Ambry Genetics
Classification: Uncertain significance for Hereditary cancer-predisposing syndrome. Last evaluated: 2025-02-09. Review status: criteria provided, single submitter. Criteria: Ambry Variant Classification Scheme 2023. Collection method: clinical testing. Allele origin: germline.
Comment: The p.T2481N variant (also known as c.7442C>A), located in coding exon 15 of the APC gene, results from a C to A substitution at nucleotide position 7442. The threonine at codon 2481 is replaced by asparagine, an amino acid with similar properties. This amino acid position is conserved. In addition, in silico predictors for this gene do not accurately predict pathogenicity. Based on the available evidence, the clinical significance of this variant remains unclear.

Labcorp Genetics (formerly Invitae), Labcorp
Classification: Uncertain significance for Familial adenomatous polyposis 1. Last evaluated: 2025-01-06. Review status: criteria provided, single submitter. Criteria: Invitae Variant Classification Sherloc (09022015). Collection method: clinical testing. Allele origin: germline.
Comment: This sequence change replaces threonine, which is neutral and polar, with asparagine, which is neutral and polar, at codon 2481 of the APC protein (p.Thr2481Asn). This variant is not present in population databases (gnomAD no frequency). This variant has not been reported in the literature in individuals affected with APC-related conditions. ClinVar contains an entry for this variant (Variation ID: 582870). Invitae Evidence Modeling of protein sequence and biophysical properties (such as structural, functional, and spatial information, amino acid conservation, physicochemical variation, residue mobility, and thermodynamic stability) indicates that this missense variant is not expected to disrupt APC protein function with a negative predictive value of 95%. In summary, the available evidence is currently insufficient to determine the role of this variant in disease. Therefore, it has been classified as a Variant of Uncertain Significance.

All of Us Research Program, National Institutes of Health
Classification: Uncertain significance for Classic or attenuated familial adenomatous polyposis. Last evaluated: 2023-11-02. Review status: criteria provided, single submitter. Criteria: ACMG Guidelines, 2015. Collection method: clinical testing. Allele origin: germline. Inheritance: Autosomal dominant inheritance. Observed: 1 variant allele, 1 heterozygote.
Comment: This missense variant replaces threonine with asparagine at codon 2481 of the APC protein. Computational prediction suggests that this variant may not impact protein structure and function (internally defined REVEL score threshold <= 0.5, PMID: 27666373). To our knowledge, functional studies have not been reported for this variant. This variant has not been reported in individuals affected with APC-related disorders in the literature. This variant has not been identified in the general population by the Genome Aggregation Database (gnomAD). The available evidence is insufficient to determine the role of this variant in disease conclusively. Therefore, this variant is classified as a Variant of Uncertain Significance.

This study involves interpretation of variants in research participants for the purpose of population health screening. Participant phenotype was not available at the time of variant classification. Additional details can be found in publication PMID: 35346344, PMCID: PMC8962531